The following is an entry in ClinVar:

NM_000046.5(ARSB):c.1213+23309_1213+25380del

Gene: ARSB (arylsulfatase B; minus strand). Cytogenetic location: 5q14.1.
Variant type: Deletion.
Coding change: c.1213+23309_1213+25380del on transcript NM_000046.5 (MANE Select); bases 23309 to 25380 of the intron after coding-DNA position 1213, 2,072 bases deleted.
Molecular consequence: intron variant.
Genome position (GRCh38, 1-based): chr5:78,813,976-78,816,047, 2,072 bases deleted. GRCh37 (hg19): chr5:78,109,799-78,111,870.
Other names: c.1213+23309_1213+25380del2072 (NM_000046.5).
Identifiers: ClinVar variation 3339489 (VCV003339489.1).

ClinVar aggregate classification (germline): Benign (1 of 4 stars; one submission).

Submission:

Women's Health and Genetics/Laboratory Corporation of America, LabCorp
Classification: Benign. Last evaluated: 2024-07-16. Review status: criteria provided, single submitter. Criteria: LabCorp Variant Classification Summary - May 2015. Collection method: clinical testing. Allele origin: germline.
Comment: Variant summary: ARSB c.1213+23309_1213+25380del2072 is located at an intronic position not widely known to affect splicing. The variant allele was found at a frequency of 0.053 in 121980 control chromosomes in the gnomAD database (Structural Variants v4.1 dataset), including 718 homozygotes. The observed variant frequency is approximately 24-fold of the estimated maximal expected allele frequency for a pathogenic variant in ARSB causing Mucopolysaccharidosis Type VI (Maroteaux-Lamy Syndrome) phenotype (0.0022). To our knowledge, no occurrence of c.1213+23309_1213+25380del2072 in individuals affected with Mucopolysaccharidosis Type VI (Maroteaux-Lamy Syndrome) and no experimental evidence demonstrating its impact on protein function have been reported. No submitters have cited clinical-significance assessments for this variant to ClinVar. Based on the evidence outlined above, the variant was classified as benign.